The following is an entry in ClinVar:

ClinVar aggregate classification (germline): Uncertain significance (1 of 4 stars; one submission).

Submission:

Labcorp Genetics (formerly Invitae), Labcorp
Classification: Uncertain significance. Last evaluated: 2022-07-27. Review status: criteria provided, single submitter. Criteria: Invitae Variant Classification Sherloc (09022015). Collection method: clinical testing. Allele origin: germline.
Comment: This sequence change replaces aspartic acid, which is acidic and polar, with histidine, which is basic and polar, at codon 569 of the CACNA2D4 protein (p.Asp569His). This variant is not present in population databases (gnomAD no frequency). This variant has not been reported in the literature in individuals affected with CACNA2D4-related conditions. Algorithms developed to predict the effect of missense changes on protein structure and function are either unavailable or do not agree on the potential impact of this missense change (SIFT: "Deleterious"; PolyPhen-2: "Possibly Damaging"; Align-GVGD: "Class C0"). Algorithms developed to predict the effect of sequence changes on RNA splicing suggest that this variant may disrupt the consensus splice site. In summary, the available evidence is currently insufficient to determine the role of this variant in disease. Therefore, it has been classified as a Variant of Uncertain Significance.

NM_172364.5(CACNA2D4):c.1705G>C (p.Asp569His)

Gene: CACNA2D4 (calcium voltage-gated channel auxiliary subunit alpha2delta 4; minus strand). Cytogenetic location: 12p13.33.
Variant type: single nucleotide variant.
Coding change: c.1705G>C on transcript NM_172364.5 (MANE Select); coding-DNA position 1705, G replaced by C.
Protein change: p.Asp569His; replaces aspartic acid 569 with histidine.
Molecular consequence: missense variant.
Genome position (GRCh38, 1-based): chr12:1,878,329, C>G on the plus strand (G>C on the coding strand, the complement: CACNA2D4 is on the minus strand). VCF-style: chr12-1878329-C-G. GRCh37 (hg19) VCF-style: chr12-1987495-C-G.
Other names: short protein forms D569H.
Identifiers: ClinVar variation 1713934 (VCV001713934.5), dbSNP rs770007640, ClinGen allele CA383353380.